The following is an entry in ClinVar:

NM_004360.5(CDH1):c.2245C>T (p.Arg749Trp)

Gene: CDH1 (cadherin 1; plus strand). Cytogenetic location: 16q22.1.
Variant type: single nucleotide variant.
Coding change: c.2245C>T on transcript NM_004360.5 (MANE Select); coding-DNA position 2245, C replaced by T.
Protein change: p.Arg749Trp; replaces arginine 749 with tryptophan.
Molecular consequence: missense variant.
Genome position (GRCh38, 1-based): chr16:68,828,254, C>T. VCF-style: chr16-68828254-C-T. GRCh37 (hg19) VCF-style: chr16-68862157-C-T.
Other names: NM_004360.4(CDH1):c.2245C>T; p.R749W; NM_004360.5(CDH1):c.2245C>T; c.2245C>T (LRG_301t1); c.2062C>T, p.Arg688Trp (NM_001317184.2); c.697C>T, p.Arg233Trp (NM_001317185.2); c.280C>T, p.Arg94Trp (NM_001317186.2); short protein forms R749W, R688W, R233W, R94W.
Identifiers: ClinVar variation 418841 (VCV000418841.36), dbSNP rs776975632, ClinGen allele CA8130235.
Genomic context (GRCh38, chr16:68,828,254, plus strand): 5'-CTGTTTCTTCGGAGGAGAGCGGTGGTCAAAGAGCCCTTACTGCCCCCAGAGGATGACACC[C>T]GGGACAACGTTTATTACTATGATGAAGAAGGAGGCGGAGAAGAGGACCAGGTGGGTTTTG-3'
Protein context (NP_004351.1, residues 739-759): EPLLPPEDDT[Arg749Trp]DNVYYYDEEG

ClinVar aggregate classification (germline): Uncertain significance. Review status: reviewed by expert panel (3 of 4 stars). 12 submissions from 12 submitters: Uncertain significance (1). 11 of the submissions do not count toward it. Last evaluated 2023-08-28.

Conditions:
CDH1-related diffuse gastric and lobular breast cancer syndrome. Also called: CDH1-related diffuse gastric and lobular breast cancer. Identifiers: MedGen CN311521, MONDO:0100488.
Hereditary cancer-predisposing syndrome. Also called: Tumor predisposition; Neoplastic Syndromes, Hereditary; Hereditary Cancer Syndrome; Hereditary neoplastic syndrome. Identifiers: Orphanet 140162, MedGen C0027672, MeSH D009386, MONDO:0015356.
Hereditary breast ovarian cancer syndrome. Also called: Hereditary breast and ovarian cancer; Hereditary breast and ovarian cancer syndrome (HBOC); Hereditary breast and/or ovarian cancer syndrome; Breast and ovarian cancer; Hereditary breast and ovarian cancer syndrome; BRCA1- and BRCA2-Associated Hereditary Breast and Ovarian Cancer. Identifiers: Orphanet 145, MedGen C0677776, MeSH D061325, MONDO:0003582. Disease mechanism: loss of function.
Hereditary diffuse gastric adenocarcinoma (HDGC). Also called: DIFFUSE GASTRIC AND LOBULAR BREAST CANCER SYNDROME. Identifiers: Orphanet 26106, MedGen C1708349, MONDO:0007648, OMIM 137215.
Familial cancer of breast. Also called: Hereditary breast cancer; BREAST CANCER, FAMILIAL; hereditary breast carcinoma. Identifiers: Orphanet 227535, MedGen C0346153, MONDO:0016419, OMIM 114480. Disease mechanism: loss of function.
Malignant tumor of breast. Also called: Malignant breast neoplasm; Cancer breast. Identifiers: MedGen C0006142, MONDO:0007254. Disease mechanism: loss of function.

Allele frequency attached by ClinVar (database versions not stated): gnomAD exomes below 0.00001 and 0.00001; TOPMed below 0.00001; ExAC 0.00001.

Submissions 1 to 9 of 12:

Clingen Gastric Cancer Variant Curation Expert Panel
Classification: Uncertain significance for CDH1-related diffuse gastric and lobular breast cancer syndrome. Last evaluated: 2023-08-28. Review status: reviewed by expert panel. Criteria: ClinGen CDH1 ACMG Specifications V3.1. Collection method: curation. Allele origin: germline. Inheritance: Autosomal dominant inheritance.
Comment: The NM_004360.5(CDH1):c.2245C>T (p.Arg749Trp) variant is a missense variant in exon 14 and results in the change of an Arginine to a Tryptophan. This variant is present in <1/100,000 alleles in the ExAC and gnomAD cohort (PM2_Supporting). Furthermore, it has been observed in > 10 individuals (34) without DGC, SRC tumours or LBC and whose families do not suggest HDGC. This variant has been reported in four families meeting HDGC clinical criteria, however, this represents only 11% of all families carrying this variant (threshold is 30% to consider applying PS4). Given that multiple families with this variants meet the HDGC criteria, CDH1-VCEP recommended not to apply BS2 code. In summary, the clinical significance of this variant is uncertain. ACMG/AMP criteria applied, as specified by the CDH1 Variant Curation Expert Panel (Variant Interpretation Guidelines Version 3.1): PM2_Supporting.

German Consortium for Hereditary Breast and Ovarian Cancer, University Hospital Cologne
Classification: Uncertain significance for Hereditary breast ovarian cancer syndrome. Last evaluated: 2025-12-09. Review status: criteria provided, single submitter. Criteria: ACMG Guidelines, 2015. Collection method: curation. Allele origin: germline. Not counted in ClinVar's aggregate classification.
Comment: ClinGen CDH1 Variant Curation Expert Panel; This classification follows the ACMG SVI adaptation classification scheme; We chose this criterion: PM2 (supporting pathogenic): ≤ 1 out of 100,000 alleles in gnomAD cohort; if present in ≥2 individuals within a subpopulation, must be present in ≤ One out of 50,000 alleles. gnomAD v4.1 South Asian 2 in 91076 alleles

Labcorp Genetics (formerly Invitae), Labcorp
Classification: Uncertain significance for Hereditary diffuse gastric adenocarcinoma. Last evaluated: 2025-11-30. Review status: criteria provided, single submitter. Criteria: Invitae Variant Classification Sherloc (09022015). Collection method: clinical testing. Allele origin: germline. Not counted in ClinVar's aggregate classification.
Comment: This sequence change replaces arginine, which is basic and polar, with tryptophan, which is neutral and slightly polar, at codon 749 of the CDH1 protein (p.Arg749Trp). This variant is not present in population databases (gnomAD no frequency). This missense change has been observed in individual(s) with diffuse gastric cancer (PMID: 17545690). ClinVar contains an entry for this variant (Variation ID: 418841). An algorithm developed to predict the effect of missense changes on protein structure and function (PolyPhen-2) suggests that this variant is likely to be disruptive. Experimental studies are conflicting or provide insufficient evidence to determine the effect of this variant on CDH1 function (PMID: 17545690, 18772194, 19268661, 22850631, 25388006, 34486077). In summary, the available evidence is currently insufficient to determine the role of this variant in disease. Therefore, it has been classified as a Variant of Uncertain Significance.

Ambry Genetics
Classification: Uncertain significance for Hereditary cancer-predisposing syndrome. Last evaluated: 2025-04-28. Review status: criteria provided, single submitter. Criteria: Ambry Variant Classification Scheme 2023. Collection method: clinical testing. Allele origin: germline. Not counted in ClinVar's aggregate classification.
Comment: The p.R749W variant (also known as c.2245C>T), located in coding exon 14 of the CDH1 gene, results from a C to T substitution at nucleotide position 2245. The arginine at codon 749 is replaced by tryptophan, an amino acid with dissimilar properties. This alteration, located in the intracellular juxtamembrane domain of the CDH1 gene, has been reported in 1 of 38 families diagnosed clinically with hereditary diffuse gastric cancer (HDGC) who were analyzed for CDH1 mutations, however segregation analysis was not completed in this family (Kaurah P et al. JAMA, 2007 Jun;297:2360-72). Several in vitro based studies showed that this variant increased cell motility and invasion compared to wild type controls as well as reduced expression and interaction with E-cadherin (Figueiredo J et al. Eur. J. Hum. Genet., 2013 Mar;21:301-9; Sanches JM et al. Eur. J. Hum. Genet., 2015 Aug;23:1072-9; Mateus AR et al. Exp. Cell Res., 2009 May;315:1393-402; Mestre T et al. Sci Rep, 2016 05;6:25101). This amino acid position is highly conserved in available vertebrate species. In addition, this alteration is predicted to be deleterious by in silico analysis. Based on the available evidence, the clinical significance of this variant remains unclear.

Baylor Genetics
Classification: Uncertain significance for Familial cancer of breast. Last evaluated: 2023-12-06. Review status: criteria provided, single submitter. Criteria: ACMG Guidelines, 2015. Collection method: clinical testing. Allele origin: unknown. Not counted in ClinVar's aggregate classification.

Color Diagnostics, LLC DBA Color Health
Classification: Uncertain significance for Hereditary cancer-predisposing syndrome. Last evaluated: 2020-12-14. Review status: criteria provided, single submitter. Criteria: ACMG Guidelines, 2015. Collection method: clinical testing. Allele origin: germline. Not counted in ClinVar's aggregate classification.
Comment: This missense variant replaces arginine with tryptophan at codon 749 of the CDH1 protein. Functional studies have shown the mutant protein to be defective in cell surface expression, cell adhesion, motility and cell invasion ability (PMID 17545690, 18772194, 19268661, 22850631). The severity of the defect differs broadly. This variant has been reported in a family with five individuals affected with gastric cancer (ages 36-49), two of whom with diffuse cancer, but each individual's genotype was not provided (PMID: 17545690). This variant has been observed in an individual affected with breast cancer (PMID: 30653559). This variant has been identified in 1/251478 chromosomes in the general population by the Genome Aggregation Database (gnomAD). The available evidence is insufficient to determine the role of this variant in disease conclusively. Therefore, this variant is classified as a Variant of Uncertain Significance.

Undiagnosed Diseases Network, NIH
Classification: Likely pathogenic for Hereditary diffuse gastric adenocarcinoma. Last evaluated: 2020-07-14. Review status: criteria provided, single submitter. Criteria: ACMG Guidelines, 2015. Collection method: clinical testing. Allele origin: paternal. Inheritance: Autosomal dominant inheritance. Affected: yes. Observed: 1 variant allele, 1 heterozygote. Study: Undiagnosed Diseases Network (NIH), UDN. Not counted in ClinVar's aggregate classification.

AiLife Diagnostics
Classification: Uncertain significance. Last evaluated: 2020-05-08. Review status: criteria provided, single submitter. Criteria: ACMG Guidelines, 2015. Collection method: clinical testing. Allele origin: germline. Affected: yes. Observed: 1 variant allele. Not counted in ClinVar's aggregate classification.

Quest Diagnostics Nichols Institute San Juan Capistrano
Classification: Uncertain significance. Last evaluated: 2018-05-25. Review status: criteria provided, single submitter. Criteria: Quest Diagnostics criteria. Collection method: clinical testing. Allele origin: germline. Not counted in ClinVar's aggregate classification.